The following is an entry in ClinVar:

ClinVar aggregate classification (germline): Uncertain significance. Review status: criteria provided, multiple submitters, no conflicts (2 of 4 stars). 4 submissions from 4 submitters: Uncertain significance (4). Last evaluated 2025-09-16.

Conditions:
Hereditary cancer-predisposing syndrome. Also called: Tumor predisposition; Neoplastic Syndromes, Hereditary; Hereditary Cancer Syndrome; Hereditary neoplastic syndrome. Identifiers: Orphanet 140162, MedGen C0027672, MeSH D009386, MONDO:0015356.
Tuberous sclerosis 2 (TSC2). Identifiers: Orphanet 805, MedGen C1860707, MONDO:0013199, OMIM 613254.
Tuberous sclerosis syndrome (TSC). Also called: Tuberous Sclerosis Complex; Tuberous sclerosis. Identifiers: Orphanet 805, MedGen C0041341, MONDO:0001734.
Isolated focal cortical dysplasia type II (FCORD2). Also called: Focal cortical dysplasia type II; CORTICAL DYSPLASIA OF TAYLOR. Identifiers: Orphanet 268994, MedGen C1846385, MONDO:0011818, OMIM 607341, HP:0032051.

Submissions (4):

Labcorp Genetics (formerly Invitae), Labcorp
Classification: Uncertain significance for Tuberous sclerosis 2. Last evaluated: 2025-09-16. Review status: criteria provided, single submitter. Criteria: Invitae Variant Classification Sherloc (09022015). Collection method: clinical testing. Allele origin: germline.
Comment: This sequence change replaces lysine, which is basic and polar, with asparagine, which is neutral and polar, at codon 698 of the TSC2 protein (p.Lys698Asn). This variant is not present in population databases (gnomAD no frequency). This variant has not been reported in the literature in individuals affected with TSC2-related conditions. ClinVar contains an entry for this variant (Variation ID: 1059538). Invitae Evidence Modeling of protein sequence and biophysical properties (such as structural, functional, and spatial information, amino acid conservation, physicochemical variation, residue mobility, and thermodynamic stability) indicates that this missense variant is not expected to disrupt TSC2 protein function with a negative predictive value of 95%. In summary, the available evidence is currently insufficient to determine the role of this variant in disease. Therefore, it has been classified as a Variant of Uncertain Significance.

Ambry Genetics
Classification: Uncertain significance for Hereditary cancer-predisposing syndrome. Last evaluated: 2025-03-19. Review status: criteria provided, single submitter. Criteria: Ambry Variant Classification Scheme 2023. Collection method: clinical testing. Allele origin: germline.
Comment: The p.K698N variant (also known as c.2094G>C), located in coding exon 18 of the TSC2 gene, results from a G to C substitution at nucleotide position 2094. The lysine at codon 698 is replaced by asparagine, an amino acid with similar properties. This amino acid position is conserved. In addition, the in silico prediction for this alteration is inconclusive. Based on the available evidence, the clinical significance of this variant remains unclear.

Baylor Genetics
Classification: Uncertain significance for Isolated focal cortical dysplasia type II. Last evaluated: 2024-02-26. Review status: criteria provided, single submitter. Criteria: ACMG Guidelines, 2015. Collection method: clinical testing. Allele origin: unknown.

All of Us Research Program, National Institutes of Health
Classification: Uncertain significance for Tuberous sclerosis syndrome. Last evaluated: 2023-12-13. Review status: criteria provided, single submitter. Criteria: ACMG Guidelines, 2015. Collection method: clinical testing. Allele origin: germline. Inheritance: Autosomal dominant inheritance. Observed: 1 variant allele, 1 heterozygote.
Comment: This missense variant replaces lysine with asparagine at codon 698 of the TSC2 protein. Computational prediction is inconclusive regarding the impact of this variant on protein structure and function (internally defined REVEL score threshold 0.5 < inconclusive < 0.7, PMID: 27666373). To our knowledge, functional studies have not been reported for this variant. This variant has not been reported in individuals affected with TSC2-related disorders in the literature. This variant has not been identified in the general population by the Genome Aggregation Database (gnomAD). The available evidence is insufficient to determine the role of this variant in disease conclusively. Therefore, this variant is classified as a Variant of Uncertain Significance.

This study involves interpretation of variants in research participants for the purpose of population health screening. Participant phenotype was not available at the time of variant classification. Additional details can be found in publication PMID: 35346344, PMCID: PMC8962531

NM_000548.5(TSC2):c.2094G>C (p.Lys698Asn)

Gene: TSC2 (TSC complex subunit 2; plus strand). Cytogenetic location: 16p13.3.
Variant type: single nucleotide variant.
Coding change: c.2094G>C on transcript NM_000548.5 (MANE Select); coding-DNA position 2094, G replaced by C.
Protein change: p.Lys698Asn; replaces lysine 698 with asparagine.
Molecular consequence: missense variant.
Genome position (GRCh38, 1-based): chr16:2,071,931, G>C. VCF-style: chr16-2071931-G-C. GRCh37 (hg19) VCF-style: chr16-2121932-G-C.
Other names: c.2094G>C, p.Lys698Asn (NM_001077183.3, NM_001114382.3, NM_001363528.2 and 3 more transcripts); c.1983G>C, p.Lys661Asn (NM_001318827.2); c.1947G>C, p.Lys649Asn (NM_001318829.2); c.1494G>C, p.Lys498Asn (NM_001318831.2); c.2127G>C, p.Lys709Asn (NM_001318832.2); c.2094G>C (NM_000548.3); short protein forms K498N, K649N, K661N, K698N, K709N.
Identifiers: ClinVar variation 1059538 (VCV001059538.12), dbSNP rs752256613, ClinGen allele CA394274727.